The following is an entry in ClinVar:

NM_006859.4(LIAS):c.725C>T (p.Pro242Leu)

Gene: LIAS (lipoic acid synthetase; plus strand). Cytogenetic location: 4p14.
Variant type: single nucleotide variant.
Coding change: c.725C>T on transcript NM_006859.4 (MANE Select); coding-DNA position 725, C replaced by T.
Protein change: p.Pro242Leu; replaces proline 242 with leucine.
Molecular consequence: missense variant. On other transcripts: intron variant (1).
Genome position (GRCh38, 1-based): chr4:39,467,634, C>T. VCF-style: chr4-39467634-C-T. GRCh37 (hg19) VCF-style: chr4-39469254-C-T.
Other names: c.416C>T, p.Pro139Leu (NM_001363700.2); c.725C>T, p.Pro242Leu (NM_194451.3); c.608+2292C>T (NM_001278590.2); short protein forms P242L, P139L.
Identifiers: ClinVar variation 572391 (VCV000572391.6), dbSNP rs746107734, ClinGen allele CA2894743.

ClinVar aggregate classification (germline): Uncertain significance (1 of 4 stars; one submission).

Conditions:
Lipoic acid synthetase deficiency. Also called: HYPERGLYCINEMIA, LACTIC ACIDOSIS, AND SEIZURES. Identifiers: Orphanet 401859, MedGen C3280887, MONDO:0013762, OMIM 614462.

Allele frequency attached by ClinVar (database versions not stated): gnomAD exomes below 0.00001; TOPMed below 0.00001; ExAC 0.00001.
gnomAD v4.1: 15 of 1,579,488 alleles (0.00095%); highest among the groups gnomAD compares: Non-Finnish European, 0.0011%; no homozygotes.

Submission:

Labcorp Genetics (formerly Invitae), Labcorp
Classification: Uncertain significance for Lipoic acid synthetase deficiency. Last evaluated: 2021-11-12. Review status: criteria provided, single submitter. Criteria: Invitae Variant Classification Sherloc (09022015). Collection method: clinical testing. Allele origin: germline.
Comment: This sequence change replaces proline, which is neutral and non-polar, with leucine, which is neutral and non-polar, at codon 242 of the LIAS protein (p.Pro242Leu). The frequency data for this variant in the population databases is considered unreliable, as metrics indicate poor data quality at this position in the gnomAD database. This variant has not been reported in the literature in individuals affected with LIAS-related conditions. ClinVar contains an entry for this variant (Variation ID: 572391). Algorithms developed to predict the effect of missense changes on protein structure and function (SIFT, PolyPhen-2, Align-GVGD) all suggest that this variant is likely to be tolerated. In summary, the available evidence is currently insufficient to determine the role of this variant in disease. Therefore, it has been classified as a Variant of Uncertain Significance.